The following is an entry in ClinVar:

ClinVar aggregate classification (germline): Uncertain significance. Review status: criteria provided, multiple submitters, no conflicts (2 of 4 stars). 3 submissions from 3 submitters: Uncertain significance (3). Last evaluated 2023-12-15.

Allele frequency attached by ClinVar (database versions not stated): gnomAD exomes 0.00002 and 0.00003; TOPMed 0.00005; gnomAD 0.00009.
gnomAD v4.1: 36 of 1,550,120 alleles (0.0023%); highest among the groups gnomAD compares: Middle Eastern, 0.033%; no homozygotes.

Submissions (3):

Women's Health and Genetics/Laboratory Corporation of America, LabCorp
Classification: Uncertain significance. Last evaluated: 2023-12-15. Review status: criteria provided, single submitter. Criteria: LabCorp Variant Classification Summary - May 2015. Collection method: clinical testing. Allele origin: germline.
Comment: Variant summary: ZNF469 c.8426C>T (p.Pro2809Leu) results in a non-conservative amino acid change in the encoded protein sequence. Three of four in-silico tools predict a benign effect of the variant on protein function. The variant allele was found at a frequency of 2.6e-05 in 152944 control chromosomes (gnomAD). The available data on variant occurrences in the general population are insufficient to allow any conclusion about variant significance. c.8426C>T has been reported in the literature in one individual affected with Brittle Cornea Syndrome 1. These report(s) do not provide unequivocal conclusions about association of the variant with Keratoconus (Lucas_2017). To our knowledge, no experimental evidence demonstrating an impact on protein function has been reported. The following publication have been ascertained in the context of this evaluation (PMID: 29228253). Two submitters have cited clinical-significance assessments for this variant to ClinVar after 2014. All submitters classified the variant as uncertain significance. Based on the evidence outlined above, the variant was classified as uncertain significance.

GeneDx
Classification: Uncertain significance. Last evaluated: 2023-10-17. Review status: criteria provided, single submitter. Criteria: GeneDx Variant Classification Process June 2021. Collection method: clinical testing. Allele origin: germline. Affected: yes.
Comment: Not observed at significant frequency in large population cohorts (gnomAD); In silico analysis supports that this missense variant does not alter protein structure/function; Identified in a patient with keratoconus in published literature (Lucas et al., 2017); however, additional clinical details and familial segregation analysis were not provided; This variant is associated with the following publications: (PMID: 29228253)

Labcorp Genetics (formerly Invitae), Labcorp
Classification: Uncertain significance. Last evaluated: 2021-12-30. Review status: criteria provided, single submitter. Criteria: Invitae Variant Classification Sherloc (09022015). Collection method: clinical testing. Allele origin: germline.
Comment: This sequence change replaces proline, which is neutral and non-polar, with leucine, which is neutral and non-polar, at codon 2781 of the ZNF469 protein (p.Pro2781Leu). This variant is present in population databases (no rsID available, gnomAD 0.01%). This missense change has been observed in individual(s) with keratoconus (PMID: 29228253). Algorithms developed to predict the effect of missense changes on protein structure and function (SIFT, PolyPhen-2, Align-GVGD) all suggest that this variant is likely to be tolerated. In summary, the available evidence is currently insufficient to determine the role of this variant in disease. Therefore, it has been classified as a Variant of Uncertain Significance.

Literature cited by the submitters: PubMed 29228253 (cited by Women's Health and Genetics/Laboratory Corporation of America, LabCorp and Labcorp Genetics (formerly Invitae), Labcorp).

NM_001367624.2(ZNF469):c.8426C>T (p.Pro2809Leu)

Gene: ZNF469 (zinc finger protein 469; plus strand). Cytogenetic location: 16q24.2.
Variant type: single nucleotide variant.
Coding change: c.8426C>T on transcript NM_001367624.2 (MANE Select); coding-DNA position 8426, C replaced by T.
Protein change: p.Pro2809Leu; replaces proline 2809 with leucine.
Molecular consequence: missense variant.
Genome position (GRCh38, 1-based): chr16:88,435,896, C>T. VCF-style: chr16-88435896-C-T. GRCh37 (hg19) VCF-style: chr16-88502304-C-T.
Other names: NM_001127464.1:c.8342C>T; short protein forms P2809L.
Identifiers: ClinVar variation 1307387 (VCV001307387.5), dbSNP rs1054270904, ClinGen allele CA286384059.